The following is an entry in ClinVar:

NM_006509.4(RELB):c.1135G>A (p.Val379Ile)

Gene: RELB (RELB proto-oncogene, NF-kB subunit; plus strand). Cytogenetic location: 19q13.32.
Variant type: single nucleotide variant.
Coding change: c.1135G>A on transcript NM_006509.4 (MANE Select); coding-DNA position 1135, G replaced by A.
Protein change: p.Val379Ile; replaces valine 379 with isoleucine.
Molecular consequence: missense variant.
Genome position (GRCh38, 1-based): chr19:45,032,677, G>A. VCF-style: chr19-45032677-G-A. GRCh37 (hg19) VCF-style: chr19-45535935-G-A.
Other names: c.1126G>A, p.Val376Ile (NM_001411087.1); short protein forms V379I, V376I.
Identifiers: ClinVar variation 1975725 (VCV001975725.5), dbSNP rs762213313, ClinGen allele CA9507751.
Genomic context (GRCh38, chr19:45,032,677, plus strand): 5'-ATTGTGTTCAAGACGCCGCCCTACGAGGACCTGGAGATTGTCGAGCCCGTGACAGTCAAC[G>A]TCTTCCTGCAGCGGCTCACCGATGGGGTCTGCAGCGAGCCATTGCCTTTCACGTACCTGC-3'
Protein context (NP_006500.2, residues 369-389): LEIVEPVTVN[Val379Ile]FLQRLTDGVC

ClinVar aggregate classification (germline): Uncertain significance (1 of 4 stars; one submission).

Allele frequency attached by ClinVar (database versions not stated): ExAC 0.00001.
gnomAD v4.1: 12 of 1,611,452 alleles (0.00074%); highest among the groups gnomAD compares: East Asian, 0.0022%; no homozygotes.

Submission:

Labcorp Genetics (formerly Invitae), Labcorp
Classification: Uncertain significance. Last evaluated: 2025-08-27. Review status: criteria provided, single submitter. Criteria: Invitae Variant Classification Sherloc (09022015). Collection method: clinical testing. Allele origin: germline.
Comment: This sequence change replaces valine, which is neutral and non-polar, with isoleucine, which is neutral and non-polar, at codon 379 of the RELB protein (p.Val379Ile). The frequency data for this variant in the population databases is considered unreliable, as metrics indicate poor data quality at this position in the gnomAD database. This variant has not been reported in the literature in individuals affected with RELB-related conditions. ClinVar contains an entry for this variant (Variation ID: 1975725). An algorithm developed to predict the effect of missense changes on protein structure and function (PolyPhen-2) suggests that this variant is likely to be tolerated. In summary, the available evidence is currently insufficient to determine the role of this variant in disease. Therefore, it has been classified as a Variant of Uncertain Significance.